The following is an entry in ClinVar:

NM_000059.4(BRCA2):c.3853G>T (p.Glu1285Ter)

Gene: BRCA2 (BRCA2 DNA repair associated; plus strand). Cytogenetic location: 13q13.1.
Variant type: single nucleotide variant.
Coding change: c.3853G>T on transcript NM_000059.4 (MANE Select); coding-DNA position 3853, G replaced by T.
Protein change: p.Glu1285Ter; replaces glutamic acid 1285 with a stop codon.
Molecular consequence: nonsense.
Genome position (GRCh38, 1-based): chr13:32,338,208, G>T. VCF-style: chr13-32338208-G-T. GRCh37 (hg19) VCF-style: chr13-32912345-G-T.
Other names: c.3853G>T, p.Glu1285Ter (NM_001406719.1, NM_001406720.1); short protein forms E1285*.
Identifiers: ClinVar variation 1969616 (VCV001969616.5), dbSNP rs2548527062, ClinGen allele CA387778621.

ClinVar aggregate classification (germline): Pathogenic (1 of 4 stars; one submission).

Conditions:
Hereditary breast ovarian cancer syndrome. Also called: Hereditary breast and ovarian cancer syndrome (HBOC); Hereditary breast and/or ovarian cancer syndrome; Hereditary breast and ovarian cancer syndrome; Breast and ovarian cancer; BRCA1- and BRCA2-Associated Hereditary Breast and Ovarian Cancer; Hereditary breast and ovarian cancer. Identifiers: Orphanet 145, MedGen C0677776, MeSH D061325, MONDO:0003582. Disease mechanism: loss of function.

Submission:

Labcorp Genetics (formerly Invitae), Labcorp
Classification: Pathogenic for Hereditary breast ovarian cancer syndrome. Last evaluated: 2022-08-08. Review status: criteria provided, single submitter. Criteria: Invitae Variant Classification Sherloc (09022015). Collection method: clinical testing. Allele origin: germline.
Comment: For these reasons, this variant has been classified as Pathogenic. This variant has not been reported in the literature in individuals affected with BRCA2-related conditions. This variant is not present in population databases (gnomAD no frequency). This sequence change creates a premature translational stop signal (p.Glu1285*) in the BRCA2 gene. It is expected to result in an absent or disrupted protein product. Loss-of-function variants in BRCA2 are known to be pathogenic (PMID: 20104584).

Literature cited by the submitters: PubMed 20104584.